The following is an entry in ClinVar:

NM_016169.4(SUFU):c.996G>C (p.Gln332His)

Gene: SUFU (SUFU negative regulator of hedgehog signaling; plus strand). Cytogenetic location: 10q24.32.
Variant type: single nucleotide variant.
Coding change: c.996G>C on transcript NM_016169.4 (MANE Select); coding-DNA position 996, G replaced by C.
Protein change: p.Gln332His; replaces glutamine 332 with histidine.
Molecular consequence: missense variant.
Genome position (GRCh38, 1-based): chr10:102,599,518, G>C. VCF-style: chr10-102599518-G-C. GRCh37 (hg19) VCF-style: chr10-104359275-G-C.
Other names: c.996G>C, p.Gln332His (NM_001178133.2); short protein forms Q332H.
Identifiers: ClinVar variation 5030418 (VCV005030418.1).

ClinVar aggregate classification (germline): Uncertain significance (1 of 4 stars; one submission).

Conditions:
Hereditary cancer-predisposing syndrome. Also called: Neoplastic Syndromes, Hereditary; Tumor predisposition; Hereditary neoplastic syndrome; Hereditary Cancer Syndrome. Identifiers: Orphanet 140162, MedGen C0027672, MeSH D009386, MONDO:0015356.

Submission:

Ambry Genetics
Classification: Uncertain significance for Hereditary cancer-predisposing syndrome. Last evaluated: 2026-07-07. Review status: criteria provided, single submitter. Criteria: Ambry Variant Classification Scheme 2023. Collection method: clinical testing. Allele origin: germline.
Comment: The p.Q332H variant (also known as c.996G>C), located in coding exon 8 of the SUFU gene, results from a G to C substitution at nucleotide position 996. The glutamine at codon 332 is replaced by histidine, an amino acid with highly similar properties. This amino acid position is conserved. In addition, this alteration is predicted to be tolerated by in silico analysis. Based on the available evidence, the clinical significance of this variant remains unclear.